The following is an entry in ClinVar:

NM_000059.4(BRCA2):c.317-2070A>G

Gene: BRCA2 (BRCA2 DNA repair associated; plus strand). Cytogenetic location: 13q13.1.
Variant type: single nucleotide variant.
Coding change: c.317-2070A>G on transcript NM_000059.4 (MANE Select); 2070 bases into the intron before coding-DNA position 317, A replaced by G.
Molecular consequence: intron variant.
Genome position (GRCh38, 1-based): chr13:32,323,006, A>G. VCF-style: chr13-32323006-A-G. GRCh37 (hg19) VCF-style: chr13-32897143-A-G.
Other names: IVS 3-2070A>G.
Identifiers: ClinVar variation 209636 (VCV000209636.1), dbSNP rs11571601, ClinGen allele CA276605.

ClinVar aggregate classification (germline): Benign (3 of 4 stars; one submission).

Conditions:
Breast-ovarian cancer, familial, susceptibility to, 2 (BROVCA2). Also called: BRCA2 Hereditary Breast and Ovarian Cancer. Identifiers: Orphanet 145, MedGen C2675520, MONDO:0012933, OMIM 612555. Disease mechanism: loss of function.

Allele frequency attached by ClinVar (database versions not stated): 1000 Genomes Project 0.00559; 1000 Genomes Project 30x 0.00671; gnomAD 0.00752 and 0.00816; TOPMed 0.00889.
gnomAD v4.1: 1,134 of 152,296 alleles (0.74%); highest among the groups gnomAD compares: African/African-American, 2.6%; 19 homozygotes.

Submission:

Evidence-based Network for the Interpretation of Germline Mutant Alleles (ENIGMA)
Classification: Benign for Breast-ovarian cancer, familial 2. Last evaluated: 2015-01-12. Review status: reviewed by expert panel. Criteria: ENIGMA BRCA1/2 Classification Criteria (2015). Collection method: curation. Allele origin: germline.
Comment: Class 1 not pathogenic based on frequency >1% in an outbred sampleset. Frequency 0.01626 (African), derived from 1000 genomes (2012-04-30).